The following is an entry in ClinVar:

ClinVar aggregate classification (germline): Likely benign. Review status: criteria provided, single submitter (1 of 4 stars). 2 submissions from 2 submitters: Likely benign (1). 1 of the submissions does not count toward it. Last evaluated 2023-12-15.

Conditions:
NCOR2-related disorder. Also called: NCOR2-related condition.

Allele frequency attached by ClinVar (database versions not stated): 1000 Genomes Project 30x 0.00016.
gnomAD v4.1: 24 of 1,572,078 alleles (0.0015%); highest among the groups gnomAD compares: Middle Eastern, 0.017%; no homozygotes.

Submissions (2):

Ambry Genetics
Classification: Likely benign. Last evaluated: 2023-12-15. Review status: criteria provided, single submitter. Criteria: Ambry Variant Classification Scheme 2023. Collection method: clinical testing. Allele origin: germline.

PreventionGenetics, part of Exact Sciences
Classification: Likely benign for NCOR2-related condition. Last evaluated: 2019-02-27. Review status: no assertion criteria provided. Collection method: clinical testing. Allele origin: germline. Not counted in ClinVar's aggregate classification.
Comment: This variant is classified as likely benign based on ACMG/AMP sequence variant interpretation guidelines (Richards et al. 2015 PMID: 25741868, with internal and published modifications).

NM_006312.6(NCOR2):c.4227G>A (p.Pro1409=)

Gene: NCOR2 (nuclear receptor corepressor 2; minus strand). Cytogenetic location: 12q24.31.
Variant type: single nucleotide variant.
Coding change: c.4227G>A on transcript NM_006312.6 (MANE Select); coding-DNA position 4227, G replaced by A.
Protein change: p.Pro1409=; no amino-acid change (proline 1409 retained).
Molecular consequence: synonymous variant.
Genome position (GRCh38, 1-based): chr12:124,346,696, C>T on the plus strand (G>A on the coding strand, the complement: NCOR2 is on the minus strand). VCF-style: chr12-124346696-C-T. GRCh37 (hg19) VCF-style: chr12-124831242-C-T.
Other names: c.4197G>A, p.Pro1399= (NM_001077261.4, NM_001206654.2).
Identifiers: ClinVar variation 3047009 (VCV003047009.3), dbSNP rs768218509, ClinGen allele CA6868332.
Genomic context (GRCh38, chr12:124,346,696, plus strand): 5'-CGGGATCTCATGGATGGAGCGGCCCGCCTCCTTCACCGTGGCCACCAGGCCCTCATGGGC[C>T]GGCTTCAGCTTCAGGGGGCCCAGGGCCTGCGTCTTGTAGGCCTCGGTCAGGTCCCGTGAG-3'
Protein context (NP_006303.4, residues 1399-1419): TQALGPLKLK[Pro1409=]AHEGLVATVK